The following is an entry in ClinVar:

NM_000417.3(IL2RA):c.137T>C (p.Met46Thr)

Gene: IL2RA (interleukin 2 receptor subunit alpha; minus strand). Cytogenetic location: 10p15.1.
Variant type: single nucleotide variant.
Coding change: c.137T>C on transcript NM_000417.3 (MANE Select); coding-DNA position 137, T replaced by C.
Protein change: p.Met46Thr; replaces methionine 46 with threonine.
Molecular consequence: missense variant.
Genome position (GRCh38, 1-based): chr10:6,025,953, A>G on the plus strand (T>C on the coding strand, the complement: IL2RA is on the minus strand). VCF-style: chr10-6025953-A-G. GRCh37 (hg19) VCF-style: chr10-6067916-A-G.
Other names: c.137T>C, p.Met46Thr (NM_001308242.2, NM_001308243.2); short protein forms M46T.
Identifiers: ClinVar variation 1465179 (VCV001465179.7), dbSNP rs979148208, ClinGen allele CA202296659.

ClinVar aggregate classification (germline): Uncertain significance (1 of 4 stars; one submission).

Conditions:
Immunodeficiency due to CD25 deficiency. Also called: IMMUNODEFICIENCY 41 WITH LYMPHOPROLIFERATION AND AUTOIMMUNITY; CD25 DEFICIENCY; IL2RA DEFICIENCY. Identifiers: Orphanet 169100, MedGen C1853392, MONDO:0011664, OMIM 606367.

Submission:

Labcorp Genetics (formerly Invitae), Labcorp
Classification: Uncertain significance for Immunodeficiency due to CD25 deficiency. Last evaluated: 2021-02-22. Review status: criteria provided, single submitter. Criteria: Invitae Variant Classification Sherloc (09022015). Collection method: clinical testing. Allele origin: germline.
Comment: This variant has not been reported in the literature in individuals with IL2RA-related conditions. Algorithms developed to predict the effect of missense changes on protein structure and function output the following: SIFT: "Tolerated"; PolyPhen-2: "Benign"; Align-GVGD: "Class C0". The threonine amino acid residue is found in multiple mammalian species, suggesting that this missense change does not adversely affect protein function. These predictions have not been confirmed by published functional studies and their clinical significance is uncertain. In summary, the available evidence is currently insufficient to determine the role of this variant in disease. Therefore, it has been classified as a Variant of Uncertain Significance. This variant is not present in population databases (ExAC no frequency). This sequence change replaces methionine with threonine at codon 46 of the IL2RA protein (p.Met46Thr). The methionine residue is moderately conserved and there is a moderate physicochemical difference between methionine and threonine.